The following is an entry in ClinVar:

NM_001374385.1(ATP8B1):c.-25-6T>C

Gene: ATP8B1 (ATPase phospholipid transporting 8B1; minus strand). Cytogenetic location: 18q21.31.
Variant type: single nucleotide variant.
Coding change: c.-25-6T>C on transcript NM_001374385.1 (MANE Select); 6 bases into the intron before 25 bases upstream of the start codon, T replaced by C.
Molecular consequence: intron variant.
Genome position (GRCh38, 1-based): chr18:57,731,838, A>G on the plus strand (T>C on the coding strand, the complement: ATP8B1 is on the minus strand). VCF-style: chr18-57731838-A-G. GRCh37 (hg19) VCF-style: chr18-55399070-A-G.
Other names: c.-22-9T>C (NM_005603.6); c.-77-6T>C (NM_001374386.1).
Identifiers: ClinVar variation 327496 (VCV000327496.7), dbSNP rs35671095, ClinGen allele CA8974967.

ClinVar aggregate classification (germline): Benign/Likely benign. Review status: criteria provided, multiple submitters, no conflicts (2 of 4 stars). 2 submissions from 2 submitters: Benign (1); Likely benign (1). Last evaluated 2020-01-13.

Conditions:
Progressive familial intrahepatic cholestasis type 1. Also called: BYLER DISEASE; Byler's disease; Severe ATP8B1 Deficiency (Progressive Familial Intrahepatic Cholestasis Type 1 [PFIC1]). Identifiers: Orphanet 79306, MedGen C4551898, MONDO:0008892, OMIM 211600.

Allele frequency attached by ClinVar (database versions not stated): gnomAD exomes 0.00043 and 0.00107; ExAC 0.00135; 1000 Genomes Project 30x 0.00344; 1000 Genomes Project 0.00359; TOPMed 0.00420; gnomAD 0.00443; ESP Exome Variant Server 0.00477.
gnomAD v4.1: 1,240 of 1,613,532 alleles (0.077%); highest among the groups gnomAD compares: African/African-American, 1.6%; 11 homozygotes.

Submissions (2):

GeneDx
Classification: Likely benign. Last evaluated: 2020-01-13. Review status: criteria provided, single submitter. Criteria: GeneDx Variant Classification Process June 2021. Collection method: clinical testing. Allele origin: germline. Affected: yes.

Illumina Laboratory Services, Illumina
Classification: Benign for Progressive familial intrahepatic cholestasis type 1. Last evaluated: 2018-01-12. Review status: criteria provided, single submitter. Criteria: ICSL Variant Classification Criteria 13 December 2019. Collection method: clinical testing. Allele origin: germline.
Comment: This variant was observed in the ICSL laboratory as part of a predisposition screen in an ostensibly healthy population. It had not been previously curated by ICSL or reported in the Human Gene Mutation Database (HGMD: prior to June 1st, 2018), and was therefore a candidate for classification through an automated scoring system. Utilizing variant allele frequency, disease prevalence and penetrance estimates, and inheritance mode, an automated score was calculated to assess if this variant is too frequent to cause the disease. Based on the score and internal cut-off values, a variant classified as benign is not then subjected to further curation. The score for this variant resulted in a classification of benign for this disease.